The following is an entry in ClinVar:

ClinVar aggregate classification (germline): Conflicting classifications of pathogenicity. Review status: criteria provided, conflicting classifications (1 of 4 stars). 3 submissions from 3 submitters: Uncertain significance (1); Benign (1); Likely benign (1). Last evaluated 2026-01-12.

Conditions:
Primary ciliary dyskinesia. Also called: Ciliary dyskinesia. Identifiers: Orphanet 244, MedGen C0008780, MONDO:0016575, HP:0012265.
DNAH11-related disorder. Also called: DNAH11-related condition.
Primary ciliary dyskinesia 7. Also called: CILIARY DYSKINESIA, PRIMARY, 7, WITH OR WITHOUT SITUS INVERSUS. Identifiers: Orphanet 244, MedGen C2678473, MONDO:0012748, OMIM 611884.

Allele frequency attached by ClinVar (database versions not stated): gnomAD exomes below 0.00001 and 0.00002; ExAC 0.00004.
gnomAD v4.1: 1 of 1,613,888 alleles (0.000062%); highest among the groups gnomAD compares: East Asian, 0.0022%; no homozygotes.

Submissions (3):

Labcorp Genetics (formerly Invitae), Labcorp
Classification: Benign for Primary ciliary dyskinesia. Last evaluated: 2026-01-12. Review status: criteria provided, single submitter. Criteria: Invitae Variant Classification Sherloc (09022015). Collection method: clinical testing. Allele origin: germline.

PreventionGenetics, part of Exact Sciences
Classification: Likely benign for DNAH11-related condition. Last evaluated: 2024-10-17. Review status: criteria provided, single submitter. Criteria: ACMG Guidelines, 2015. Collection method: clinical testing. Allele origin: germline.
Comment: This variant is classified as likely benign based on ACMG/AMP sequence variant interpretation guidelines (Richards et al. 2015 PMID: 25741868, with internal and published modifications).

Illumina Laboratory Services, Illumina
Classification: Uncertain significance for Primary ciliary dyskinesia 7. Last evaluated: 2017-04-27. Review status: criteria provided, single submitter. Criteria: ICSL Variant Classification Criteria 13 December 2019. Collection method: clinical testing. Allele origin: germline.

NM_001277115.2(DNAH11):c.10158T>C (p.Leu3386=)

Gene: DNAH11 (dynein axonemal heavy chain 11; plus strand). Cytogenetic location: 7p15.3.
Variant type: single nucleotide variant.
Coding change: c.10158T>C on transcript NM_001277115.2 (MANE Select); coding-DNA position 10158, T replaced by C.
Protein change: p.Leu3386=; no amino-acid change (leucine 3386 retained).
Molecular consequence: synonymous variant.
Genome position (GRCh38, 1-based): chr7:21,801,268, T>C. VCF-style: chr7-21801268-T-C. GRCh37 (hg19) VCF-style: chr7-21840886-T-C.
Identifiers: ClinVar variation 908739 (VCV000908739.8), dbSNP rs778649796, ClinGen allele CA4182246.